The following is an entry in ClinVar:

NM_001267550.2(TTN):c.56362C>T (p.Pro18788Ser)

Genes: TTN (titin; minus strand), TTN-AS1 (TTN antisense RNA 1; plus strand). Cytogenetic location: 2q31.2.
Variant type: single nucleotide variant.
Coding change: c.56362C>T on transcript NM_001267550.2 (MANE Select); coding-DNA position 56362, C replaced by T.
Protein change: p.Pro18788Ser; replaces proline 18788 with serine.
Molecular consequence: missense variant.
Genome position (GRCh38, 1-based): chr2:178,599,431, G>A on the plus strand (C>T on the coding strand, the complement: TTN is on the minus strand). VCF-style: chr2-178599431-G-A. GRCh37 (hg19) VCF-style: chr2-179464158-G-A.
Other names: c.51439C>T, p.Pro17147Ser (NM_001256850.1); c.29167C>T, p.Pro9723Ser (NM_003319.4); c.48658C>T, p.Pro16220Ser (NM_133378.4); c.29542C>T, p.Pro9848Ser (NM_133432.3); c.29743C>T, p.Pro9915Ser (NM_133437.4); c.56362C>T (NM_001267550.1); short protein forms P16220S, P18788S, P17147S, P9848S, P9915S, P9723S.
Identifiers: ClinVar variation 501563 (VCV000501563.10), dbSNP rs1363268909, ClinGen allele CA349532716.

ClinVar aggregate classification (germline): Uncertain significance. Review status: criteria provided, multiple submitters, no conflicts (2 of 4 stars). 7 submissions from 3 submitters: Uncertain significance (7). Last evaluated 2024-10-11.

Conditions:
Myopathy, myofibrillar, 9, with early respiratory failure (MFM9). Also called: MYOPATHY, PROXIMAL, WITH EARLY RESPIRATORY MUSCLE INVOLVEMENT; Myopathy, distal, with early respiratory failure, autosomal dominant; Hereditary myopathy with early respiratory failure; EDSTROM MYOPATHY. Identifiers: Orphanet 178464, Orphanet 34521, MedGen C1863599, MONDO:0011362, OMIM 603689.
Dilated cardiomyopathy 1G (CMD1G). Identifiers: Orphanet 154, MedGen C1858763, MONDO:0011400, OMIM 604145.
Tibial muscular dystrophy (TMD). Also called: Udd Distal Myopathy – Tibial Muscular Dystrophy; Tibial muscular dystrophy, tardive; UDD MYOPATHY. Identifiers: Orphanet 609, MedGen C1838244, MONDO:0010870, OMIM 600334.
Early-onset myopathy with fatal cardiomyopathy (CMYO5). Also called: Salih Myopathy; CONGENITAL MYOPATHY 5 WITH CARDIOMYOPATHY. Identifiers: Orphanet 289377, MedGen C2673677, MONDO:0012714, OMIM 611705. Disease mechanism: loss of function.
Autosomal recessive limb-girdle muscular dystrophy type 2J (LGMDR10). Also called: MUSCULAR DYSTROPHY, LIMB-GIRDLE, AUTOSOMAL RECESSIVE 10; Limb-girdle muscular dystrophy, type 2J. Identifiers: Orphanet 140922, MedGen C1837342, MONDO:0012127, OMIM 608807.

Allele frequency attached by ClinVar (database versions not stated): TOPMed below 0.00001; gnomAD exomes 0.00001.
gnomAD v4.1: 4 of 1,541,798 alleles (0.00026%); highest among the groups gnomAD compares: Non-Finnish European, 0.00035%; no homozygotes.

Submissions (7):

GeneDx
Classification: Uncertain significance. Last evaluated: 2024-10-11. Review status: criteria provided, single submitter. Criteria: GeneDx Variant Classification Process June 2021. Collection method: clinical testing. Allele origin: germline. Affected: yes.
Comment: Not observed at significant frequency in large population cohorts (gnomAD); Missense variant in a gene in which most reported pathogenic variants are truncating/loss of function; Has not been previously published as pathogenic or benign to our knowledge

Illumina Laboratory Services, Illumina
Classification: Uncertain significance for Myopathy, myofibrillar, 9, with early respiratory failure. Last evaluated: 2018-01-13. Review status: criteria provided, single submitter. Criteria: ICSL Variant Classification Criteria 13 December 2019. Collection method: clinical testing. Allele origin: germline.

Illumina Laboratory Services, Illumina
Classification: Uncertain significance for Autosomal recessive limb-girdle muscular dystrophy type 2J. Last evaluated: 2018-01-13. Review status: criteria provided, single submitter. Criteria: ICSL Variant Classification Criteria 13 December 2019. Collection method: clinical testing. Allele origin: germline.

Illumina Laboratory Services, Illumina
Classification: Uncertain significance for Early-onset myopathy with fatal cardiomyopathy. Last evaluated: 2018-01-13. Review status: criteria provided, single submitter. Criteria: ICSL Variant Classification Criteria 13 December 2019. Collection method: clinical testing. Allele origin: germline.

Illumina Laboratory Services, Illumina
Classification: Uncertain significance for Tibial muscular dystrophy. Last evaluated: 2018-01-13. Review status: criteria provided, single submitter. Criteria: ICSL Variant Classification Criteria 13 December 2019. Collection method: clinical testing. Allele origin: germline.

Illumina Laboratory Services, Illumina
Classification: Uncertain significance for Dilated cardiomyopathy 1G. Last evaluated: 2018-01-13. Review status: criteria provided, single submitter. Criteria: ICSL Variant Classification Criteria 13 December 2019. Collection method: clinical testing. Allele origin: germline.

Eurofins Ntd Llc (ga)
Classification: Uncertain significance. Last evaluated: 2017-04-27. Review status: criteria provided, single submitter. Criteria: EGL Classification Definitions 2015. Collection method: clinical testing. Allele origin: germline. Observed: 1 variant allele, 1 heterozygote.